The following is an entry in ClinVar:

NM_000352.6(ABCC8):c.851C>T (p.Ala284Val)

Gene: ABCC8 (ATP binding cassette subfamily C member 8; minus strand). Cytogenetic location: 11p15.1.
Variant type: single nucleotide variant.
Coding change: c.851C>T on transcript NM_000352.6 (MANE Select); coding-DNA position 851, C replaced by T.
Protein change: p.Ala284Val; replaces alanine 284 with valine.
Molecular consequence: missense variant. On other transcripts: non-coding transcript variant (1).
Genome position (GRCh38, 1-based): chr11:17,460,648, G>A on the plus strand (C>T on the coding strand, the complement: ABCC8 is on the minus strand). VCF-style: chr11-17460648-G-A. GRCh37 (hg19) VCF-style: chr11-17482195-G-A.
Other names: c.851C>T, p.Ala284Val (NM_001287174.3, NM_001351295.2); c.848C>T, p.Ala283Val (NM_001351296.2, NM_001351297.2); short protein forms A283V, A284V.
Identifiers: ClinVar variation 2503140 (VCV002503140.1), dbSNP rs1957155307, ClinGen allele CA379777596.

ClinVar aggregate classification (germline): Uncertain significance (1 of 4 stars; one submission).

Allele frequency attached by ClinVar (database versions not stated): TOPMed 0.00001.
gnomAD v4.1: 4 of 1,610,966 alleles (0.00025%); highest among the groups gnomAD compares: Non-Finnish European, 0.00034%; no homozygotes.

Submission:

GeneDx
Classification: Uncertain significance. Last evaluated: 2022-11-27. Review status: criteria provided, single submitter. Criteria: GeneDx Variant Classification Process June 2021. Collection method: clinical testing. Allele origin: germline. Affected: yes.
Comment: Not observed at significant frequency in large population cohorts (gnomAD); In silico analysis supports that this missense variant does not alter protein structure/function; Has not been previously published as pathogenic or benign to our knowledge